The following is an entry in ClinVar:

NM_003079.5(SMARCE1):c.548A>G (p.Asp183Gly)

Gene: SMARCE1 (SWI/SNF related BAF chromatin remodeling complex subunit E1; minus strand). Cytogenetic location: 17q21.2.
Variant type: single nucleotide variant.
Coding change: c.548A>G on transcript NM_003079.5 (MANE Select); coding-DNA position 548, A replaced by G.
Protein change: p.Asp183Gly; replaces aspartic acid 183 with glycine.
Molecular consequence: missense variant.
Genome position (GRCh38, 1-based): chr17:40,632,361, T>C on the plus strand (A>G on the coding strand, the complement: SMARCE1 is on the minus strand). VCF-style: chr17-40632361-T-C. GRCh37 (hg19) VCF-style: chr17-38788613-T-C.
Other names: short protein forms D183G.
Identifiers: ClinVar variation 3689895 (VCV003689895.3).

ClinVar aggregate classification (germline): Uncertain significance. Review status: criteria provided, multiple submitters, no conflicts (2 of 4 stars). 2 submissions from 2 submitters: Uncertain significance (2). Last evaluated 2026-09-06.

Conditions:
Familial meningioma. Also called: Meningioma, familial, susceptibility to. Identifiers: Orphanet 263662, MedGen C3551915, MONDO:0011789, OMIM 607174.
Hereditary cancer-predisposing syndrome. Also called: Tumor predisposition; Hereditary neoplastic syndrome; Hereditary Cancer Syndrome; Neoplastic Syndromes, Hereditary. Identifiers: Orphanet 140162, MedGen C0027672, MeSH D009386, MONDO:0015356.

Submissions (2):

Ambry Genetics
Classification: Uncertain significance for Hereditary cancer-predisposing syndrome. Last evaluated: 2026-09-06. Review status: criteria provided, single submitter. Criteria: Ambry Variant Classification Scheme 2023. Collection method: clinical testing. Allele origin: germline.
Comment: The p.D183G variant (also known as c.548A>G), located in coding exon 7 of the SMARCE1 gene, results from an A to G substitution at nucleotide position 548. The aspartic acid at codon 183 is replaced by glycine, an amino acid with similar properties. This amino acid position is conserved. In addition, the in silico prediction for this alteration is inconclusive. Based on the available evidence, the clinical significance of this variant remains unclear.

Labcorp Genetics (formerly Invitae), Labcorp
Classification: Uncertain significance for Familial meningioma. Last evaluated: 2024-04-24. Review status: criteria provided, single submitter. Criteria: Invitae Variant Classification Sherloc (09022015). Collection method: clinical testing. Allele origin: germline.
Comment: This sequence change replaces aspartic acid, which is acidic and polar, with glycine, which is neutral and non-polar, at codon 183 of the SMARCE1 protein (p.Asp183Gly). This variant is not present in population databases (gnomAD no frequency). This variant has not been reported in the literature in individuals affected with SMARCE1-related conditions. Advanced modeling of protein sequence and biophysical properties (such as structural, functional, and spatial information, amino acid conservation, physicochemical variation, residue mobility, and thermodynamic stability) performed at Invitae indicates that this missense variant is expected to disrupt SMARCE1 protein function with a positive predictive value of 80%. In summary, the available evidence is currently insufficient to determine the role of this variant in disease. Therefore, it has been classified as a Variant of Uncertain Significance.